The following continues an entry in ClinVar:

NM_000051.4(ATM):c.8495G>A (p.Arg2832His)

ClinVar aggregate classification (germline): Conflicting classifications of pathogenicity. Uncertain significance (17); Benign (1).

Submissions 7 to 21 of 21:

Ambry Genetics
Classification: Uncertain significance for Hereditary cancer-predisposing syndrome. Last evaluated: 2024-12-30. Review status: criteria provided, single submitter. Criteria: Ambry Variant Classification Scheme 2023. Collection method: clinical testing. Allele origin: germline.
Comment: The p.R2832H variant (also known as c.8495G>A), located in coding exon 57 of the ATM gene, results from a G to A substitution at nucleotide position 8495. The arginine at codon 2832 is replaced by histidine, an amino acid with highly similar properties. A different missense alteration affecting the same amino acid, p.R2832C, has been reported as pathogenic by multiple groups (Telatar M et al. Am. J. Hum. Genet. 1998 Jan;62:86-97; Becker-Catania S et al. Mol. Genet. Metab. 2000 Jun;70:122-33; Li A and Swift M. Am. J. Med. Genet. 2000 May;92:170-7; Mitui M et al. Hum. Mutat. 2009 Jan;30:12-21). The p.R2832H alteration was identified in 1/1358 non-cancer control individuals and was not observed in 57 cases, in a study looking at cancer predisposition mutations in patients with cutaneous melanoma and a history of at least two additional non-cutaneous melanoma primary cancers (Pritchard AL et al. PLoS One, 2018 Apr;13:e0194098). This alteration was identified in 1/1207 cases of BRCA negative French women was not observed in 1199 general population controls; this variant was also observed once in a cohort of 1663 Brazilian breast cancer patients who underwent hereditary multigene panel testing (Girard E et al. Int J Cancer, 2019 04;144:1962-1974; Guindalini RSC et al. Sci Rep, 2022 Mar;12:4190). This alteration has also been identified 1/302 individuals with pancreatic cancer (Chaffee KG et al. Genet Med, 2018 01;20:119-127). This amino acid position is highly conserved in available vertebrate species. In addition, this alteration is predicted to be deleterious by in silico analysis. Since supporting evidence is limited at this time, the clinical significance of this alteration remains unclear.

Molecular Pathology, Peter Maccallum Cancer Centre
Classification: Uncertain significance for Ataxia-telangiectasia syndrome. Last evaluated: 2024-11-11. Review status: criteria provided, single submitter. Criteria: ACMG Guidelines, 2015. Collection method: clinical testing. Allele origin: germline. Inheritance: Autosomal recessive inheritance.

GeneDx
Classification: Uncertain significance. Last evaluated: 2023-04-21. Review status: criteria provided, single submitter. Criteria: GeneDx Variant Classification Process June 2021. Collection method: clinical testing. Allele origin: germline. Affected: yes.
Comment: In silico analysis supports that this missense variant does not alter protein structure/function; Observed in individuals with breast, pancreatic, or other cancers (Lu et al., 2015; Decker et al., 2017; Chaffee et al., 2018; Girard et al., 2019; Kadri et al., 2020; Castillo-Guardiola et al., 2022; Guindalini et al., 2022); This variant is associated with the following publications: (PMID: 27198204, 18634022, 24728327, 24841718, 26689913, 28779002, 29338072, 28726808, 29641532, 28652578, 33552952, 31422574, 32736562, 36480066, 14706517, 20305132, 35273907, 33471991, 34720947, 34174931, 21665257, 30093976, 35130390, 35085662, 23532176, 30303537, 35245693, 35264596)

Athena Diagnostics
Classification: Uncertain significance. Last evaluated: 2023-01-17. Review status: criteria provided, single submitter. Criteria: Athena Diagnostics Criteria. Collection method: clinical testing. Allele origin: unknown.
Comment: Available data are insufficient to determine the clinical significance of the variant at this time. The frequency of this variant in the general population is higher than would generally be expected for pathogenic variants in this gene. Computational tools predict that this variant is damaging.

St. Jude Molecular Pathology, St. Jude Children's Research Hospital
Classification: Uncertain significance for Familial cancer of breast. Last evaluated: 2023-01-10. Review status: criteria provided, single submitter. Criteria: St. Jude Assertion Criteria 2020. Collection method: clinical testing. Allele origin: germline.
Comment: The ATM c.8495G>A (p.Arg2832His) missense change has a maximum subpopulation frequency of 0.049% in gnomAD v2.1.1. The in silico tool REVEL is inconclusive about a pathogenic or benign effect of this variant on protein function, and to our knowledge functional studies have not been performed. This variant has been reported in individuals with breast cancer (PMID: 20305132), gastric cancer (PMID: 14706517), and pancreatic cancer (PMID: 28726808), and it has also been observed in control subjects (PMID: 24728327, 30303537, 31422574). This variant is absent in a database of women older than 70 years of age who have never had cancer (FLOSSIES database). Missense variants affecting the same amino acid residue, p.Arg687Cys, and p.Arg687Pro, have been reported as pathogenic in individuals with ataxia telangiectasia (PMID: 9443866, 10817650, 10873394, 18634022). To our knowledge, this variant has not been reported in individuals with ataxia telangiectasia. In summary, the evidence currently available is insufficient to determine the clinical significance of this variant. It has therefore been classified as of uncertain significance.

Laboratory of Molecular Epidemiology of Birth Defects, West China Second University Hospital, Sichuan University
Classification: Benign for Ovarian cancer. Last evaluated: 2022-01-01. Review status: criteria provided, single submitter. Criteria: ACMG Guidelines, 2015. Collection method: clinical testing. Allele origin: germline. Affected: yes.

Sema4
Classification: Uncertain significance for Hereditary cancer-predisposing syndrome. Last evaluated: 2021-09-13. Review status: criteria provided, single submitter. Criteria: Sema4 Curation Guidelines. Collection method: curation. Allele origin: germline.
Comment: The ATM c.8495G>A (p.R2832H) variant has been reported in heterozygosity in individuals with breast, lung, or pancreatic cancer as well as unaffected controls (PMID:33471991, 28726808, 26689913, 30303537, 33552952). It was observed in 15/30602 chromosomes in the South Asian population, including no homozygotes, according to the Genome Aggregation Database (PMID: 32461654). This variant has been reported in ClinVar (Variation ID: 133638). A different nucleotide change at this amino acid position, c.8494C>T (p.R2832C), has been reported in individuals affected with ataxia telangiectasia or breast cancer (PMID: 9443866, 18634022, 21665257, 30093976, 33471991) and is classified as pathogenic by our laboratory. Functional studies have not been performed, and in silico predictions of the variant's effect on protein function are inconclusive. The evidence is insufficient to meet ACMG/AMP criteria for classifying the variant as benign or pathogenic. Thus, the clinical significance of this variant is currently uncertain.

CeGaT Center for Human Genetics Tuebingen
Classification: Uncertain significance. Last evaluated: 2021-08-01. Review status: criteria provided, single submitter. Criteria: CeGaT Center For Human Genetics Tuebingen Variant Classification Criteria Version 2. Collection method: clinical testing. Allele origin: germline. Affected: yes. Observed: 1 variant allele.

CHEO Genetics Diagnostic Laboratory, Children's Hospital of Eastern Ontario
Classification: Uncertain significance for Breast and/or ovarian cancer. Last evaluated: 2021-04-26. Review status: criteria provided, single submitter. Criteria: ACMG Guidelines, 2015. Collection method: clinical testing. Allele origin: germline.

Fulgent Genetics
Classification: Uncertain significance for Familial cancer of breast; Ataxia-telangiectasia syndrome. Last evaluated: 2018-10-31. Review status: criteria provided, single submitter. Criteria: ACMG Guidelines, 2015. Collection method: clinical testing. Allele origin: unknown.

Genetic Services Laboratory, University of Chicago
Classification: Uncertain significance. Last evaluated: 2018-07-26. Review status: criteria provided, single submitter. Criteria: ACMG Guidelines, 2015. Collection method: clinical testing. Allele origin: germline. Affected: no.

Mendelics
Classification: Uncertain significance for Ataxia-telangiectasia syndrome. Last evaluated: 2018-07-02. Review status: criteria provided, single submitter. Criteria: Mendelics Assertion Criteria 2017. Collection method: clinical testing. Allele origin: unknown.

Natera, Inc.
Classification: Uncertain significance for Ataxia-telangiectasia. Last evaluated: 2020-09-16. Review status: no assertion criteria provided. Collection method: clinical testing. Allele origin: germline. Not counted in ClinVar's aggregate classification.

ITMI
No classification provided. Condition: AllHighlyPenetrant. Last evaluated: 2013-09-19. Review status: no classification provided. Collection method: reference population. Allele origin: germline. Not counted in ClinVar's aggregate classification.
Comment: Please see associated publication for description of ethnicities

Department of Pathology and Laboratory Medicine, Sinai Health System
Classification: Uncertain significance for Ataxia-telangiectasia syndrome. Review status: no assertion criteria provided. Collection method: clinical testing. Allele origin: unknown. Affected: yes. Observed: 1 variant allele. Study: The Canadian Open Genetics Repository (COGR). Not counted in ClinVar's aggregate classification.
Comment: The ATM p.Arg2832His variant was not identified in the literature nor was it identified in the LOVD 3.0 database. The variant was identified in dbSNP (ID: rs529296539) as "With Likely pathogenic, Uncertain significance allele", ClinVar (classified as uncertain significance by Invitae, GeneDx, Ambry Genetics and two other submitters). The variant was identified in control databases in 31 of 276996 chromosomes at a frequency of 0.0001 (Genome Aggregation Database Feb 27, 2017). The variant was observed in the following populations: African in 1 of 24022 chromosomes (freq: 0.00004), Latino in 1 of 34388 chromosomes (freq: 0.00003), European in 9 of 126562 chromosomes (freq: 0.00007), East Asian in 4 of 18866 chromosomes (freq: 0.0002), and South Asian in 16 of 30774 chromosomes (freq: 0.0005), while the variant was not observed in the Other, Ashkenazi Jewish, or Finnish populations. The p.Arg2832 residue is conserved in mammals and computational analyses (PolyPhen-2, SIFT, AlignGVGD, BLOSUM, MutationTaster) provide inconsistent predictions regarding the impact to the protein; this information is not very predictive of pathogenicity. The variant occurs outside of the splicing consensus sequence and in silico or computational prediction software programs (SpliceSiteFinder, MaxEntScan, NNSPLICE, GeneSplicer) do not predict a difference in splicing. In summary, based on the above information, the clinical significance of this variant cannot be determined with certainty at this time. This variant is classified as a variant of uncertain significance.

Literature cited by the submitters: PubMed 26689913 (cited by 4 submitters); PubMed 28726808 (cited by 6 submitters); PubMed 28779002 (cited by Labcorp Genetics (formerly Invitae), Labcorp and Athena Diagnostics); PubMed 30303537 (cited by 6 submitters); PubMed 33552952 (cited by 4 submitters); PubMed 9443866 (cited by Labcorp Genetics (formerly Invitae), Labcorp and Sema4); PubMed 10817650 (cited by Labcorp Genetics (formerly Invitae), Labcorp); PubMed 10873394 (cited by Labcorp Genetics (formerly Invitae), Labcorp); PubMed 12552559 (cited by Labcorp Genetics (formerly Invitae), Labcorp); PubMed 18634022 (cited by Labcorp Genetics (formerly Invitae), Labcorp and Sema4); PubMed 24728327 (cited by 4 submitters); PubMed 20305132 (cited by 3 submitters); PubMed 28652578 (cited by Women's Health and Genetics/Laboratory Corporation of America, LabCorp and Athena Diagnostics); PubMed 30374176 (cited by Women's Health and Genetics/Laboratory Corporation of America, LabCorp); PubMed 35264596 (cited by 4 submitters); PubMed 35245693 (cited by Women's Health and Genetics/Laboratory Corporation of America, LabCorp and Athena Diagnostics); PubMed 14706517 (cited by Women's Health and Genetics/Laboratory Corporation of America, LabCorp and Color Diagnostics, LLC DBA Color Health); PubMed 36315919 (cited by Women's Health and Genetics/Laboratory Corporation of America, LabCorp); PubMed 40105422 (cited by Mayo Clinic Laboratories, Mayo Clinic); PubMed 31422574 (cited by Color Diagnostics, LLC DBA Color Health and Athena Diagnostics); PubMed 38896321 (cited by Color Diagnostics, LLC DBA Color Health); PubMed 29641532 (cited by Ambry Genetics and Athena Diagnostics); PubMed 33471991 (cited by Athena Diagnostics and Sema4); PubMed 21665257 (cited by Sema4); PubMed 30093976 (cited by Sema4).